The following is an entry in ClinVar:

NM_005431.2(XRCC2):c.236T>C (p.Leu79Ser)

Gene: XRCC2 (X-ray repair cross complementing 2; minus strand). Cytogenetic location: 7q36.1.
Variant type: single nucleotide variant.
Coding change: c.236T>C on transcript NM_005431.2 (MANE Select); coding-DNA position 236, T replaced by C.
Protein change: p.Leu79Ser; replaces leucine 79 with serine.
Molecular consequence: missense variant.
Genome position (GRCh38, 1-based): chr7:152,649,249, A>G on the plus strand (T>C on the coding strand, the complement: XRCC2 is on the minus strand). VCF-style: chr7-152649249-A-G. GRCh37 (hg19) VCF-style: chr7-152346334-A-G.
Other names: short protein forms L79S.
Identifiers: ClinVar variation 1692897 (VCV001692897.3), dbSNP rs1777615098, ClinGen allele CA370199141.

ClinVar aggregate classification (germline): Uncertain significance. Review status: criteria provided, multiple submitters, no conflicts (2 of 4 stars). 2 submissions from 2 submitters: Uncertain significance (2). Last evaluated 2022-05-26.

Conditions:
Hereditary cancer-predisposing syndrome. Also called: Hereditary neoplastic syndrome; Tumor predisposition; Neoplastic Syndromes, Hereditary; Hereditary Cancer Syndrome. Identifiers: Orphanet 140162, MedGen C0027672, MeSH D009386, MONDO:0015356.

Allele frequency attached by ClinVar (database versions not stated): TOPMed below 0.00001.

Submissions (2):

Ambry Genetics
Classification: Uncertain significance for Hereditary cancer-predisposing syndrome. Last evaluated: 2022-05-26. Review status: criteria provided, single submitter. Criteria: Ambry Variant Classification Scheme 2023. Collection method: clinical testing. Allele origin: germline.
Comment: The p.L79S variant (also known as c.236T>C), located in coding exon 3 of the XRCC2 gene, results from a T to C substitution at nucleotide position 236. The leucine at codon 79 is replaced by serine, an amino acid with dissimilar properties. This amino acid position is conserved. In addition, the in silico prediction for this alteration is inconclusive. Since supporting evidence is limited at this time, the clinical significance of this alteration remains unclear.

Sema4
Classification: Uncertain significance for Hereditary cancer-predisposing syndrome. Last evaluated: 2021-11-08. Review status: criteria provided, single submitter. Criteria: Sema4 Curation Guidelines. Collection method: curation. Allele origin: germline.
Comment: The XRCC2 c.236T>C (p.L79S) variant has not been reported in the literature to our knowledge. It was not observed in the large and broad cohorts of the Genome Aggregation Database, nor has it been reported in ClinVar. Functional studies have not been performed, and in silico predictions of the variant's effect on protein function are inconclusive. The evidence is insufficient to meet ACMG/AMP criteria for classifying the variant as benign or pathogenic. Thus, the clinical significance of this variant is currently uncertain.